The following is an entry in ClinVar:

NM_000179.3(MSH6):c.821G>T (p.Ser274Ile)

Gene: MSH6 (mutS homolog 6; plus strand). Cytogenetic location: 2p16.3.
Variant type: single nucleotide variant.
Coding change: c.821G>T on transcript NM_000179.3 (MANE Select); coding-DNA position 821, G replaced by T.
Protein change: p.Ser274Ile; replaces serine 274 with isoleucine.
Molecular consequence: missense variant. On other transcripts: 5 prime UTR variant (2).
Genome position (GRCh38, 1-based): chr2:47,798,804, G>T. VCF-style: chr2-47798804-G-T. GRCh37 (hg19) VCF-style: chr2-48025943-G-T.
Other names: c.524G>T, p.Ser175Ile (NM_001406805.1, NM_001406818.1, NM_001406819.1 and 10 more transcripts); c.296G>T, p.Ser99Ile (NM_001406806.1, NM_001406807.1, NM_001406799.1); c.821G>T, p.Ser274Ile (NM_001406808.1, NM_001406809.1, NM_001406817.1 and 4 more transcripts); c.-86G>T (NM_001406811.1, NM_001406812.1, NM_001406814.1 and 6 more transcripts); c.827G>T, p.Ser276Ile (NM_001406813.1); c.653G>T, p.Ser218Ile (NM_001406826.1); c.431G>T, p.Ser144Ile (NM_001281492.2); c.917G>T, p.Ser306Ile (NM_001406795.1, NM_001406802.1); and 1 more; short protein forms S144I, S175I, S248I, S99I, S218I, S274I, S276I, S306I.
Identifiers: ClinVar variation 1762514 (VCV001762514.2), dbSNP rs587779949, ClinGen allele CA346740424.

ClinVar aggregate classification (germline): Uncertain significance (1 of 4 stars; one submission).

Conditions:
Hereditary cancer-predisposing syndrome. Also called: Neoplastic Syndromes, Hereditary; Tumor predisposition; Hereditary Cancer Syndrome; Hereditary neoplastic syndrome. Identifiers: Orphanet 140162, MedGen C0027672, MeSH D009386, MONDO:0015356.

Submission:

Ambry Genetics
Classification: Uncertain significance for Hereditary cancer-predisposing syndrome. Last evaluated: 2023-11-28. Review status: criteria provided, single submitter. Criteria: Ambry Variant Classification Scheme 2023. Collection method: clinical testing. Allele origin: germline.
Comment: The p.S274I variant (also known as c.821G>T), located in coding exon 4 of the MSH6 gene, results from a G to T substitution at nucleotide position 821. The serine at codon 274 is replaced by isoleucine, an amino acid with dissimilar properties. This amino acid position is well conserved in available vertebrate species. In addition, the in silico prediction for this alteration is inconclusive. Since supporting evidence is limited at this time, the clinical significance of this alteration remains unclear.